The following is an entry in ClinVar:

NM_000262.3(NAGA):c.109C>T (p.Arg37Cys)

Genes: NAGA (alpha-N-acetylgalactosaminidase; minus strand), LOC126863160 (CDK7 strongly-dependent group 2 enhancer GRCh37_chr22:42462918-42464117; plus strand). Cytogenetic location: 22q13.2.
Variant type: single nucleotide variant.
Coding change: c.109C>T on transcript NM_000262.3 (MANE Select); coding-DNA position 109, C replaced by T.
Protein change: p.Arg37Cys; replaces arginine 37 with cysteine.
Molecular consequence: missense variant.
Genome position (GRCh38, 1-based): chr22:42,068,482, G>A on the plus strand (C>T on the coding strand, the complement: NAGA is on the minus strand). VCF-style: chr22-42068482-G-A. GRCh37 (hg19) VCF-style: chr22-42464486-G-A.
Other names: c.109C>T, p.Arg37Cys (NM_001362848.1, NM_001362850.1); short protein forms R37C.
Identifiers: ClinVar variation 5003893 (VCV005003893.1).
Genomic context (GRCh38, chr22:42,068,482, plus strand): 5'-GTGTGGACCTTACTCACCTTATGCAGTTCTTTGGGTCCTCATCACAGTTAATGTTGCAGC[G>A]GAAGCGTTCCCAGGCCAGCCAGCCCATGGGTGGTGTCTGCAGGAGCCCATTGTCCAGCAT-3'
Protein context (NP_000253.1, residues 27-47): PMGWLAWERF[Arg37Cys]CNINCDEDPK

ClinVar aggregate classification (germline): Uncertain significance (1 of 4 stars; one submission).

Conditions:
Alpha-N-acetylgalactosaminidase deficiency. Identifiers: Orphanet 3137, MedGen C5848084, MONDO:0017779.

gnomAD v4.1: 7 of 1,614,052 alleles (0.00043%); highest among the groups gnomAD compares: East Asian, 0.0045%; no homozygotes.

Submission:

Myriad Genetics, Inc.
Classification: Uncertain significance for Alpha-N-acetylgalactosaminidase deficiency. Last evaluated: 2026-07-10. Review status: criteria provided, single submitter. Criteria: Myriad Autosomal Dominant, Autosomal Recessive and X-Linked Classification Criteria (2023). Collection method: clinical testing. Allele origin: unknown.
Comment: NM_000262.2(NAGA):c.109C>T(R37C) is a missense variant classified as a variant of uncertain significance in the context of NAGA-related disorders. R37C has not been observed in cases with relevant disease. Relevant functional assessments of this variant are not available in the literature. R37C has been observed in referenced population frequency databases. In summary, there is insufficient evidence to classify NM_000262.2(NAGA):c.109C>T(R37C) as pathogenic or benign. Please note: this variant was assessed in the context of healthy population screening.